The following is an entry in ClinVar:

ClinVar aggregate classification (germline): Benign. Review status: criteria provided, multiple submitters, no conflicts (2 of 4 stars). 3 submissions from 3 submitters: Benign (2). 1 of the submissions does not count toward it. Last evaluated 2018-07-31.

Conditions:
LRPAP1-related disorder. Also called: LRPAP1-related condition.

Allele frequency attached by ClinVar (database versions not stated): 1000 Genomes Project 0.00300; ESP Exome Variant Server 0.00361; ExAC 0.00089; TOPMed 0.00244; 1000 Genomes Project 30x 0.00281; gnomAD 0.00283.
gnomAD v4.1: 944 of 1,613,988 alleles (0.058%); highest among the groups gnomAD compares: African/African-American, 0.86%; 1 homozygote.

Submissions (4):

Labcorp Genetics (formerly Invitae), Labcorp
Classification: Benign. Last evaluated: 2018-07-31. Review status: criteria provided, single submitter. Criteria: Invitae Variant Classification Sherloc (09022015). Collection method: clinical testing. Allele origin: germline.

Breakthrough Genomics
Classification: Benign. Review status: criteria provided, single submitter. Criteria: ACMG Guidelines, 2015. Collection method: not provided. Allele origin: germline. Inheritance: Autosomal recessive inheritance. Affected: yes.

PreventionGenetics, part of Exact Sciences
Classification: Benign for LRPAP1-related condition. Last evaluated: 2024-02-12. Review status: no assertion criteria provided. Collection method: clinical testing. Allele origin: germline. Not counted in ClinVar's aggregate classification.
Comment: This variant is classified as benign based on ACMG/AMP sequence variant interpretation guidelines (Richards et al. 2015 PMID: 25741868, with internal and published modifications).

Dr. Peter K. Rogan Lab, Western University
No classification provided (evidence only). Condition: Gastric cancer. Review status: no classification provided. Collection method: in vitro. Allele origin: not applicable. Functional consequence: retained intron. Not counted in ClinVar's aggregate classification.

NM_002337.4(LRPAP1):c.498C>T (p.Gly166=)

Gene: LRPAP1 (LDL receptor related protein associated protein 1; minus strand). Cytogenetic location: 4p16.3.
Variant type: single nucleotide variant.
Coding change: c.498C>T on transcript NM_002337.4 (MANE Select); coding-DNA position 498, C replaced by T.
Protein change: p.Gly166=; no amino-acid change (glycine 166 retained).
Molecular consequence: synonymous variant. On other transcripts: non-coding transcript variant (1).
Genome position (GRCh38, 1-based): chr4:3,518,965, G>A on the plus strand (C>T on the coding strand, the complement: LRPAP1 is on the minus strand). VCF-style: chr4-3518965-G-A. GRCh37 (hg19) VCF-style: chr4-3520692-G-A.
Other names: NC_000004.11:g.3520692G>A.
Identifiers: ClinVar variation 723992 (VCV000723992.7), dbSNP rs143257814, ClinGen allele CA2829966.